The following is an entry in ClinVar:

NM_007294.4(BRCA1):c.2649A>C (p.Ala883=)

Gene: BRCA1 (BRCA1 DNA repair associated; minus strand). Cytogenetic location: 17q21.31.
Variant type: single nucleotide variant.
Coding change: c.2649A>C on transcript NM_007294.4 (MANE Select); coding-DNA position 2649, A replaced by C.
Protein change: p.Ala883=; no amino-acid change (alanine 883 retained).
Molecular consequence: synonymous variant. On other transcripts: intron variant (137).
Genome position (GRCh38, 1-based): chr17:43,092,882, T>G on the plus strand (A>C on the coding strand, the complement: BRCA1 is on the minus strand). VCF-style: chr17-43092882-T-G. GRCh37 (hg19) VCF-style: chr17-41244899-T-G.
Other names: c.2436A>C, p.Ala812= (NM_001407571.1, NM_001407853.1, NM_001407894.1 and 9 more transcripts); c.2649A>C, p.Ala883= (NM_001407581.1, NM_001407582.1, NM_001407583.1 and 30 more transcripts); c.2646A>C, p.Ala882= (NM_001407587.1, NM_001407590.1, NM_001407591.1 and 22 more transcripts); c.2640A>C, p.Ala880= (NM_001407646.1, NM_001407647.1); c.2526A>C, p.Ala842= (NM_001407648.1, NM_001407664.1, NM_001407665.1 and 19 more transcripts); c.2523A>C, p.Ala841= (NM_001407649.1, NM_001407670.1, NM_001407671.1 and 11 more transcripts); c.2571A>C, p.Ala857= (NM_001407653.1, NM_001407654.1, NM_001407655.1 and 4 more transcripts); c.2568A>C, p.Ala856= (NM_001407659.1, NM_001407660.1, NM_001407661.1 and 1 more transcripts); and 41 more.
Identifiers: ClinVar variation 1050140 (VCV001050140.8), dbSNP rs2154366693, ClinGen allele CA500232341.

ClinVar aggregate classification (germline): Likely benign. Review status: criteria provided, multiple submitters, no conflicts (2 of 4 stars). 3 submissions from 3 submitters: Likely benign (2). 1 of the submissions does not count toward it. Last evaluated 2023-01-10.

Conditions:
Breast-ovarian cancer, familial, susceptibility to, 1 (BROVCA1). Also called: BRCA1 Hereditary Breast and Ovarian Cancer; OVARIAN CANCER, SUSCEPTIBILITY TO. Identifiers: Orphanet 145, MedGen C2676676, MONDO:0011450, OMIM 604370. Disease mechanism: loss of function.
Malignant tumor of breast. Also called: Malignant breast neoplasm; Cancer breast. Identifiers: MedGen C0006142, MONDO:0007254. Disease mechanism: loss of function.
Hereditary breast ovarian cancer syndrome. Also called: Hereditary breast and ovarian cancer syndrome; Hereditary breast and ovarian cancer syndrome (HBOC); Breast and ovarian cancer; Hereditary breast and ovarian cancer; Hereditary breast and/or ovarian cancer syndrome; BRCA1- and BRCA2-Associated Hereditary Breast and Ovarian Cancer. Identifiers: Orphanet 145, MedGen C0677776, MeSH D061325, MONDO:0003582. Disease mechanism: loss of function.

gnomAD v4.1: 1 of 1,613,964 alleles (0.000062%); highest among the groups gnomAD compares: Non-Finnish European, 0.000085%; no homozygotes.

Submissions (3):

All of Us Research Program, National Institutes of Health
Classification: Likely benign for Breast-ovarian cancer, familial, susceptibility to, 1. Last evaluated: 2023-01-10. Review status: criteria provided, single submitter. Criteria: ACMG Guidelines, 2015. Collection method: clinical testing. Allele origin: germline. Inheritance: Autosomal dominant inheritance. Observed: 1 variant allele, 1 heterozygote.
Comment: This study involves interpretation of variants in research participants for the purpose of population health screening. Participant phenotype was not available at the time of variant classification. Additional details can be found in publication PMID: 35346344, PMCID: PMC8962531

Labcorp Genetics (formerly Invitae), Labcorp
Classification: Likely benign for Hereditary breast ovarian cancer syndrome. Last evaluated: 2022-11-14. Review status: criteria provided, single submitter. Criteria: Invitae Variant Classification Sherloc (09022015). Collection method: clinical testing. Allele origin: germline.

Department of Pathology and Laboratory Medicine, Sinai Health System
Classification: Likely benign for Malignant tumor of breast. Review status: no assertion criteria provided. Collection method: clinical testing. Allele origin: unknown. Affected: yes. Study: The Canadian Open Genetics Repository (COGR). Not counted in ClinVar's aggregate classification.
Comment: The BRCA1 p.Ala883= variant was not identified in the literature nor was it identified in the dbSNP, ClinVar, Cosmic, MutDB, LOVD 3.0, UMD-LSDB, BIC Database, ARUP Laboratories, and Zhejiang Colon Cancer databases. The variant was not identified in the 1000 Genomes Project, the NHLBI GO Exome Sequencing Project or the Exome Aggregation Consortium (August 8th 2016) control databases. The c.2649A>C variant is not expected to have clinical significance because it does not result in a change of amino acid and is not located in a known consensus splice site. In addition, in silico or computational prediction software programs (SpliceSiteFinder, MaxEntScan, NNSPLICE, GeneSplicer, HumanSpliceFinder) do not predict a difference in splicing. In summary, based on the above information the clinical significance of this variant cannot be determined with certainty at this time although we would lean towards a more benign role for this variant. This variant is classified as likely benign.